The following is an entry in ClinVar:

NM_000755.5(CRAT):c.1405C>T (p.Arg469Cys)

Gene: CRAT (carnitine O-acetyltransferase; minus strand). Cytogenetic location: 9q34.11.
Variant type: single nucleotide variant.
Coding change: c.1405C>T on transcript NM_000755.5 (MANE Select); coding-DNA position 1405, C replaced by T.
Protein change: p.Arg469Cys; replaces arginine 469 with cysteine.
Molecular consequence: missense variant.
Genome position (GRCh38, 1-based): chr9:129,098,072, G>A on the plus strand (C>T on the coding strand, the complement: CRAT is on the minus strand). VCF-style: chr9-129098072-G-A. GRCh37 (hg19) VCF-style: chr9-131860351-G-A.
Other names: c.1342C>T, p.Arg448Cys (NM_001257363.3, NM_001346548.2, NM_004003.4); c.1408C>T, p.Arg470Cys (NM_001346546.2); c.1405C>T, p.Arg469Cys (NM_001346547.2); c.1285C>T, p.Arg429Cys (NM_001346549.2); short protein forms R448C, R470C, R469C, R429C.
Identifiers: ClinVar variation 1427580 (VCV001427580.1), dbSNP rs540730402, ClinGen allele CA5275388.

ClinVar aggregate classification (germline): Uncertain significance (1 of 4 stars; one submission).

Allele frequency attached by ClinVar (database versions not stated): ExAC 0.00001; gnomAD exomes 0.00001; gnomAD 0.00002 and 0.00004; TOPMed 0.00006; 1000 Genomes Project 30x 0.00016; 1000 Genomes Project 0.00020.

Submission:

Labcorp Genetics (formerly Invitae), Labcorp
Classification: Uncertain significance. Last evaluated: 2021-11-11. Review status: criteria provided, single submitter. Criteria: Invitae Variant Classification Sherloc (09022015). Collection method: clinical testing. Allele origin: germline.
Comment: This sequence change replaces arginine, which is basic and polar, with cysteine, which is neutral and slightly polar, at codon 469 of the CRAT protein (p.Arg469Cys). This variant is present in population databases (rs540730402, gnomAD 0.01%). This variant has not been reported in the literature in individuals affected with CRAT-related conditions. Algorithms developed to predict the effect of missense changes on protein structure and function are either unavailable or do not agree on the potential impact of this missense change (SIFT: "Tolerated"; PolyPhen-2: "Probably Damaging"; Align-GVGD: "Class C0"). In summary, the available evidence is currently insufficient to determine the role of this variant in disease. Therefore, it has been classified as a Variant of Uncertain Significance.